The following is an entry in ClinVar:

NM_002474.3(MYH11):c.1862A>G (p.Asp621Gly)

Gene: MYH11 (myosin heavy chain 11; minus strand). Cytogenetic location: 16p13.11.
Variant type: single nucleotide variant.
Coding change: c.1862A>G on transcript NM_002474.3 (MANE Select); coding-DNA position 1862, A replaced by G.
Protein change: p.Asp621Gly; replaces aspartic acid 621 with glycine.
Molecular consequence: missense variant.
Genome position (GRCh38, 1-based): chr16:15,753,396, T>C on the plus strand (A>G on the coding strand, the complement: MYH11 is on the minus strand). VCF-style: chr16-15753396-T-C. GRCh37 (hg19) VCF-style: chr16-15847253-T-C.
Other names: c.1862A>G (NM_002474.2); c.1883A>G, p.Asp628Gly (NM_001040113.2, NM_001040114.2); c.1862A>G, p.Asp621Gly (NM_022844.3); short protein forms D628G, D621G.
Identifiers: ClinVar variation 1963046 (VCV001963046.7), dbSNP rs773829617, ClinGen allele CA7922495.

ClinVar aggregate classification (germline): Uncertain significance. Review status: criteria provided, multiple submitters, no conflicts (2 of 4 stars). 3 submissions from 3 submitters: Uncertain significance (3). Last evaluated 2026-06-06.

Conditions:
Familial thoracic aortic aneurysm and aortic dissection (TAAD). Also called: Thoracic aortic aneurysms and dissections. Identifiers: Orphanet 91387, MedGen C4707243, MONDO:0019625.
Aortic aneurysm, familial thoracic 4 (AAT4). Also called: AORTIC ANEURYSM/AORTIC DISSECTION AND PATENT DUCTUS ARTERIOSUS. Identifiers: MedGen C1851504, MONDO:0007568, OMIM 132900.

Allele frequency attached by ClinVar (database versions not stated): gnomAD exomes below 0.00001; TOPMed below 0.00001; ExAC 0.00001.
gnomAD v4.1: 6 of 1,613,054 alleles (0.00037%); highest among the groups gnomAD compares: Non-Finnish European, 0.00051%; no homozygotes.

Submissions (3):

Ambry Genetics
Classification: Uncertain significance for Familial thoracic aortic aneurysm and aortic dissection. Last evaluated: 2026-06-06. Review status: criteria provided, single submitter. Criteria: Ambry Variant Classification Scheme 2023. Collection method: clinical testing. Allele origin: germline.
Comment: The p.D621G variant (also known as c.1862A>G), located in coding exon 14 of the MYH11 gene, results from an A to G substitution at nucleotide position 1862. The aspartic acid at codon 621 is replaced by glycine, an amino acid with similar properties. This amino acid position is conserved. In addition, this alteration is predicted to be deleterious by in silico analysis. Based on the available evidence, the clinical significance of this variant remains unclear.

Color Diagnostics, LLC DBA Color Health
Classification: Uncertain significance for Familial thoracic aortic aneurysm and aortic dissection. Last evaluated: 2024-05-31. Review status: criteria provided, single submitter. Criteria: ACMG Guidelines, 2015. Collection method: clinical testing. Allele origin: germline.
Comment: This missense variant replaces aspartic acid with glycine at codon 628 of the MYH11 protein. Computational prediction suggests that this variant may have deleterious impact on protein structure and function (internally defined REVEL score threshold >= 0.7, PMID: 27666373). To our knowledge, functional studies have not been reported for this variant. This variant has not been reported in individuals affected with MYH11-related disorders in the literature. This variant has been identified in 1/251454 chromosomes in the general population by the Genome Aggregation Database (gnomAD). The available evidence is insufficient to determine the role of this variant in disease conclusively. Therefore, this variant is classified as a Variant of Uncertain Significance.

Labcorp Genetics (formerly Invitae), Labcorp
Classification: Uncertain significance for Aortic aneurysm, familial thoracic 4. Last evaluated: 2022-03-10. Review status: criteria provided, single submitter. Criteria: Invitae Variant Classification Sherloc (09022015). Collection method: clinical testing. Allele origin: germline.
Comment: Algorithms developed to predict the effect of missense changes on protein structure and function (SIFT, PolyPhen-2, Align-GVGD) all suggest that this variant is likely to be disruptive. This variant has not been reported in the literature in individuals affected with MYH11-related conditions. This variant is present in population databases (rs773829617, gnomAD 0.0009%). This sequence change replaces aspartic acid, which is acidic and polar, with glycine, which is neutral and non-polar, at codon 628 of the MYH11 protein (p.Asp628Gly). In summary, the available evidence is currently insufficient to determine the role of this variant in disease. Therefore, it has been classified as a Variant of Uncertain Significance.